The following is an entry in ClinVar:

NM_020832.3(ZNF687):c.3559G>A (p.Asp1187Asn)

Gene: ZNF687 (zinc finger protein 687; plus strand). Cytogenetic location: 1q21.3.
Variant type: single nucleotide variant.
Coding change: c.3559G>A on transcript NM_020832.3 (MANE Select); coding-DNA position 3559, G replaced by A.
Protein change: p.Asp1187Asn; replaces aspartic acid 1187 with asparagine.
Molecular consequence: missense variant.
Genome position (GRCh38, 1-based): chr1:151,291,054, G>A. VCF-style: chr1-151291054-G-A. GRCh37 (hg19) VCF-style: chr1-151263530-G-A.
Other names: c.3559G>A (NM_020832.1); c.3559G>A, p.Asp1187Asn (NM_001304763.2, NM_001304764.2); short protein forms D1187N.
Identifiers: ClinVar variation 3017916 (VCV003017916.4), dbSNP rs151299620, ClinGen allele CA1088902.

ClinVar aggregate classification (germline): Uncertain significance. Review status: criteria provided, multiple submitters, no conflicts (2 of 4 stars). 2 submissions from 2 submitters: Uncertain significance (2). Last evaluated 2025-07-21.

Allele frequency attached by ClinVar (database versions not stated): ESP Exome Variant Server 0.00008.
gnomAD v4.1: 46 of 1,613,708 alleles (0.0029%); highest among the groups gnomAD compares: East Asian, 0.033%; no homozygotes.

Submissions (2):

Labcorp Genetics (formerly Invitae), Labcorp
Classification: Uncertain significance. Last evaluated: 2025-07-21. Review status: criteria provided, single submitter. Criteria: Invitae Variant Classification Sherloc (09022015). Collection method: clinical testing. Allele origin: germline.
Comment: This sequence change replaces aspartic acid, which is acidic and polar, with asparagine, which is neutral and polar, at codon 1187 of the ZNF687 protein (p.Asp1187Asn). This variant is present in population databases (rs151299620, gnomAD 0.05%). This variant has not been reported in the literature in individuals affected with ZNF687-related conditions. ClinVar contains an entry for this variant (Variation ID: 3017916). An algorithm developed to predict the effect of missense changes on protein structure and function (PolyPhen-2) suggests that this variant is likely to be tolerated. In summary, the available evidence is currently insufficient to determine the role of this variant in disease. Therefore, it has been classified as a Variant of Uncertain Significance.

Ambry Genetics
Classification: Uncertain significance. Last evaluated: 2023-12-12. Review status: criteria provided, single submitter. Criteria: Ambry Variant Classification Scheme 2023. Collection method: clinical testing. Allele origin: germline.